The following is an entry in ClinVar:

ClinVar aggregate classification (germline): Uncertain significance (1 of 4 stars; one submission).

Submission:

GeneDx
Classification: Uncertain significance. Last evaluated: 2024-09-30. Review status: criteria provided, single submitter. Criteria: GeneDx Variant Classification Process June 2021. Collection method: clinical testing. Allele origin: germline. Affected: yes.
Comment: Not observed at significant frequency in large population cohorts (gnomAD); In silico analysis supports that this missense variant has a deleterious effect on protein structure/function; Has not been previously published as pathogenic or benign to our knowledge

NM_001037333.3(CYFIP2):c.1592G>T (p.Cys531Phe)

Gene: CYFIP2 (cytoplasmic FMR1 interacting protein 2; plus strand). Cytogenetic location: 5q33.3.
Variant type: single nucleotide variant.
Coding change: c.1592G>T on transcript NM_001037333.3 (MANE Select); coding-DNA position 1592, G replaced by T.
Protein change: p.Cys531Phe; replaces cysteine 531 with phenylalanine.
Molecular consequence: missense variant.
Genome position (GRCh38, 1-based): chr5:157,320,723, G>T. VCF-style: chr5-157320723-G-T. GRCh37 (hg19) VCF-style: chr5-156747731-G-T.
Other names: c.1514G>T, p.Cys505Phe (NM_001291721.2); c.1592G>T, p.Cys531Phe (NM_001291722.2, NM_014376.4); short protein forms C505F, C531F.
Identifiers: ClinVar variation 3774807 (VCV003774807.1).